The following is an entry in ClinVar:

NM_005535.3(IL12RB1):c.1835C>T (p.Ser612Phe)

Gene: IL12RB1 (interleukin 12 receptor subunit beta 1; minus strand). Cytogenetic location: 19p13.11.
Variant type: single nucleotide variant.
Coding change: c.1835C>T on transcript NM_005535.3 (MANE Select); coding-DNA position 1835, C replaced by T.
Protein change: p.Ser612Phe; replaces serine 612 with phenylalanine.
Molecular consequence: missense variant.
Genome position (GRCh38, 1-based): chr19:18,060,042, G>A on the plus strand (C>T on the coding strand, the complement: IL12RB1 is on the minus strand). VCF-style: chr19-18060042-G-A. GRCh37 (hg19) VCF-style: chr19-18170852-G-A.
Other names: c.1955C>T, p.Ser652Phe (NM_001290024.2); c.1835C>T, p.Ser612Phe (NM_001290023.2); short protein forms S612F, S652F.
Identifiers: ClinVar variation 1946187 (VCV001946187.2), dbSNP rs111662740, ClinGen allele CA9304670.
Genomic context (GRCh38, chr19:18,060,042, plus strand): 5'-AGAGGCTCAGTCCTCTCGCCTTTGTCCCAGGACATCTCTACCACCAGGGCCTCCTGCAGG[G>A]ATGCCTCTTCCTGGAAGTCCACTGGGTTGATCCACTGCCAAGTCTGCAGAGGGAGGGTAG-3'
Protein context (NP_005526.1, residues 602-622): INPVDFQEEA[Ser612Phe]LQEALVVEMS

ClinVar aggregate classification (germline): Uncertain significance (1 of 4 stars; one submission).

Conditions:
Mendelian susceptibility to mycobacterial diseases due to complete IL12RB1 deficiency. Also called: IL12RB1 DEFICIENCY; Immunodeficiency 30. Identifiers: Orphanet 319552, MedGen C4013949, MONDO:0013955, OMIM 614891.

Allele frequency attached by ClinVar (database versions not stated): gnomAD exomes below 0.00001; ExAC 0.00001.
gnomAD v4.1: 3 of 1,607,112 alleles (0.00019%); highest among the groups gnomAD compares: African/African-American, 0.0027%; no homozygotes.

Submission:

Labcorp Genetics (formerly Invitae), Labcorp
Classification: Uncertain significance for Mendelian susceptibility to mycobacterial diseases due to complete IL12RB1 deficiency. Last evaluated: 2022-01-10. Review status: criteria provided, single submitter. Criteria: Invitae Variant Classification Sherloc (09022015). Collection method: clinical testing. Allele origin: germline.
Comment: This sequence change replaces serine, which is neutral and polar, with phenylalanine, which is neutral and non-polar, at codon 612 of the IL12RB1 protein (p.Ser612Phe). This variant is present in population databases (rs111662740, gnomAD 0.003%). This variant has not been reported in the literature in individuals affected with IL12RB1-related conditions. Algorithms developed to predict the effect of missense changes on protein structure and function (SIFT, PolyPhen-2, Align-GVGD) all suggest that this variant is likely to be tolerated. In summary, the available evidence is currently insufficient to determine the role of this variant in disease. Therefore, it has been classified as a Variant of Uncertain Significance.